The following is an entry in ClinVar:

NM_001098671.2(RASGRP2):c.1267G>A (p.Val423Met)

Gene: RASGRP2 (RAS guanyl releasing protein 2; minus strand). Cytogenetic location: 11q13.1.
Variant type: single nucleotide variant.
Coding change: c.1267G>A on transcript NM_001098671.2 (MANE Select); coding-DNA position 1267, G replaced by A.
Protein change: p.Val423Met; replaces valine 423 with methionine.
Molecular consequence: missense variant.
Genome position (GRCh38, 1-based): chr11:64,735,571, C>T on the plus strand (G>A on the coding strand, the complement: RASGRP2 is on the minus strand). VCF-style: chr11-64735571-C-T. GRCh37 (hg19) VCF-style: chr11-64503043-C-T.
Other names: c.1267G>A, p.Val423Met (NM_001098670.2, NM_153819.2); c.832G>A, p.Val278Met (NM_001318398.2); short protein forms V278M, V423M.
Identifiers: ClinVar variation 2045821 (VCV002045821.10), dbSNP rs141842144, ClinGen allele CA6078962.

ClinVar aggregate classification (germline): Conflicting classifications of pathogenicity. Review status: criteria provided, conflicting classifications (1 of 4 stars). 3 submissions from 3 submitters: Uncertain significance (1); Likely benign (2). Last evaluated 2025-07-01.

Allele frequency attached by ClinVar (database versions not stated): gnomAD exomes 0.00012; ExAC 0.00024; gnomAD 0.00034; TOPMed 0.00036; ESP Exome Variant Server 0.00046; 1000 Genomes Project 30x 0.00094; 1000 Genomes Project 0.00100.
gnomAD v4.1: 264 of 1,614,128 alleles (0.016%); highest among the groups gnomAD compares: African/African-American, 0.12%; 1 homozygote.

Submissions (3):

CeGaT Center for Human Genetics Tuebingen
Classification: Likely benign. Last evaluated: 2025-07-01. Review status: criteria provided, single submitter. Criteria: CeGaT Center For Human Genetics Tuebingen Variant Classification Criteria Version 2. Collection method: clinical testing. Allele origin: germline. Affected: yes. Observed: 1 variant allele.
Comment: RASGRP2: BP4

Blueprint Genetics
Classification: Likely benign. Last evaluated: 2024-10-14. Review status: criteria provided, single submitter. Criteria: ACMG Guidelines, 2015. Collection method: clinical testing. Allele origin: germline.

Labcorp Genetics (formerly Invitae), Labcorp
Classification: Uncertain significance. Last evaluated: 2022-07-07. Review status: criteria provided, single submitter. Criteria: Invitae Variant Classification Sherloc (09022015). Collection method: clinical testing. Allele origin: germline.
Comment: This sequence change replaces valine, which is neutral and non-polar, with methionine, which is neutral and non-polar, at codon 423 of the RASGRP2 protein (p.Val423Met). This variant is present in population databases (rs141842144, gnomAD 0.1%). This variant has not been reported in the literature in individuals affected with RASGRP2-related conditions. Algorithms developed to predict the effect of missense changes on protein structure and function output the following: SIFT: "Deleterious"; PolyPhen-2: "Benign"; Align-GVGD: "Class C0". The methionine amino acid residue is found in multiple mammalian species, which suggests that this missense change does not adversely affect protein function. In summary, the available evidence is currently insufficient to determine the role of this variant in disease. Therefore, it has been classified as a Variant of Uncertain Significance.